The following is an entry in ClinVar:

ClinVar aggregate classification (germline): Likely pathogenic (1 of 4 stars; one submission).

Conditions:
COG5-congenital disorder of glycosylation. Also called: CONGENITAL DISORDER OF GLYCOSYLATION, TYPE IIi; COG5-CDG; CDG IIi. Identifiers: Orphanet 263487, MedGen C3150876, MONDO:0013325, OMIM 613612.

Submission:

Labcorp Genetics (formerly Invitae), Labcorp
Classification: Likely pathogenic for COG5-congenital disorder of glycosylation. Last evaluated: 2020-03-16. Review status: criteria provided, single submitter. Criteria: Invitae Variant Classification Sherloc (09022015). Collection method: clinical testing. Allele origin: unknown.
Comment: This variant results in the deletion of exon 20 and part of exon 21 (c.2262-6069_2440del) of the COG5 gene. It is expected to disrupt RNA splicing and likely results in an absent or disrupted protein product. This variant has not been reported in the literature in individuals with COG5-related conditions. In summary, the currently available evidence indicates that the variant is pathogenic, but additional data are needed to prove that conclusively. Therefore, this variant has been classified as Likely Pathogenic. Loss-of-function variants in COG5 are known to be pathogenic (PMID: 23228021).

Literature cited by the submitters: PubMed 23228021.

NC_000007.13:g.(?_106851000)_(106857739_?)del

Gene: COG5 (component of oligomeric golgi complex 5; minus strand). Cytogenetic location: 7q22.3.
Variant type: Deletion.
Identifiers: ClinVar variation 3245793 (VCV003245793.1).